The following is an entry in ClinVar:

ClinVar aggregate classification (germline): Likely pathogenic (1 of 4 stars; one submission).

Conditions:
Fabry disease. Also called: ALPHA-GALACTOSIDASE A DEFICIENCY; ANDERSON-FABRY DISEASE; CERAMIDE TRIHEXOSIDASE DEFICIENCY; GLA DEFICIENCY; HEREDITARY DYSTOPIC LIPIDOSIS; Angiokeratoma corporis diffusum. Identifiers: Orphanet 324, MedGen C0002986, MONDO:0010526, OMIM 301500, HP:0001071. Disease mechanism: Fabry disease is due to inactivating mutations in the X-linked GLA gene resulting in deficiency of the enzyme Alpha Galactosidase-A., loss of function.

Submission:

Genomenon, Inc
Classification: Likely pathogenic for Fabry disease. Last evaluated: 2026-09-08. Review status: criteria provided, single submitter. Criteria: Genomenon Sequence Variant Interpretation Standards - Updated. Collection method: curation. Allele origin: germline. Affected: yes.
Comment: GLA p.Tyr152Cys (c.455A>G) is a missense variant that changes the amino acid at codon 152 from Tyrosine to Cysteine. This variant has been observed in at least one proband with clinical features consistent with Fabry disease (PMID:25531941). Functional or patient cell studies have been reported (PMID:25531941;27657681). The presence of pathogenic/likely pathogenic missense variant(s) at the same amino acid position indicates that this residue is likely important for protein function. It is absent or not present at a significant frequency in gnomAD. In silico models predict that this variant is possibly or probably damaging. In conclusion, we classify GLA p.Tyr152Cys (c.455A>G) as a likely pathogenic variant.

Literature cited by the submitters: PubMed 25531941; PubMed 27657681.

NM_000169.3(GLA):c.455A>G (p.Tyr152Cys)

Genes: GLA (galactosidase alpha; minus strand), RPL36A-HNRNPH2 (RPL36A-HNRNPH2 readthrough; plus strand). Cytogenetic location: Xq22.1.
Variant type: single nucleotide variant.
Coding change: c.455A>G on transcript NM_000169.3 (MANE Select); coding-DNA position 455, A replaced by G.
Protein change: p.Tyr152Cys; replaces tyrosine 152 with cysteine.
Molecular consequence: missense variant. On other transcripts: non-coding transcript variant (3), intron variant (2).
Genome position (GRCh38, 1-based): chrX:101,401,724, T>C on the plus strand (A>G on the coding strand, the complement: GLA is on the minus strand). VCF-style: chrX-101401724-T-C. GRCh37 (hg19) VCF-style: chrX-100656712-T-C.
Other names: c.578A>G, p.Tyr193Cys (NM_001406747.1, NM_001406749.1); c.455A>G, p.Tyr152Cys (NM_001406748.1); c.300+6267T>C (NM_001199973.2); c.177+9902T>C (NM_001199974.2); short protein forms Y152C, Y193C.
Identifiers: ClinVar variation 4087374 (VCV004087374.2).